The following is an entry in ClinVar:

NM_000254.3(MTR):c.250-1G>C

Gene: MTR (5-methyltetrahydrofolate-homocysteine methyltransferase; plus strand). Cytogenetic location: 1q43.
Variant type: single nucleotide variant.
Coding change: c.250-1G>C on transcript NM_000254.3 (MANE Select); the canonical splice acceptor site of the intron before coding-DNA position 250, G replaced by C.
Molecular consequence: splice acceptor variant.
Genome position (GRCh38, 1-based): chr1:236,806,143, G>C. VCF-style: chr1-236806143-G-C. GRCh37 (hg19) VCF-style: chr1-236969443-G-C.
Other names: c.250-1G>C (NM_001291939.1, NM_001410942.1); c.-859-1G>C (NM_001291940.2).
Identifiers: ClinVar variation 631597 (VCV000631597.8), dbSNP rs145939391, ClinGen allele CA39732627.

ClinVar aggregate classification (germline): Conflicting classifications of pathogenicity. Review status: criteria provided, conflicting classifications (1 of 4 stars). 2 submissions from 2 submitters: Likely pathogenic (1); Uncertain significance (1). Last evaluated 2024-01-21.

Conditions:
Methylcobalamin deficiency type cblG (HMAG). Also called: HOMOCYSTINURIA-MEGALOBLASTIC ANEMIA, cblG COMPLEMENTATION TYPE; HOMOCYSTINURIA-MEGALOBLASTIC ANEMIA DUE TO DEFECT IN COBALAMIN METABOLISM, cblG COMPLEMENTATION TYPE; Functional methionine synthase deficiency type cblG; HOMOCYSTINURIA-MEGALOBLASTIC ANEMIA, cblG TYPE. Identifiers: Orphanet 2170, Orphanet 622, MedGen C1855128, MONDO:0009609, OMIM 250940.

Allele frequency attached by ClinVar (database versions not stated): gnomAD exomes 0.00001; gnomAD 0.00004; TOPMed 0.00004; ESP Exome Variant Server 0.00008.
gnomAD v4.1: 30 of 1,613,456 alleles (0.0019%); highest among the groups gnomAD compares: Non-Finnish European, 0.0025%; no homozygotes.

Submissions (2):

Labcorp Genetics (formerly Invitae), Labcorp
Classification: Likely pathogenic for Methylcobalamin deficiency type cblG. Last evaluated: 2024-01-21. Review status: criteria provided, single submitter. Criteria: Invitae Variant Classification Sherloc (09022015). Collection method: clinical testing. Allele origin: germline.
Comment: This sequence change affects an acceptor splice site in intron 2 of the MTR gene. It is expected to disrupt RNA splicing. Variants that disrupt the donor or acceptor splice site typically lead to a loss of protein function (PMID: 16199547), and loss-of-function variants in MTR are known to be pathogenic (PMID: 9683607, 12068375). This variant is present in population databases (rs145939391, gnomAD 0.003%). This variant has not been reported in the literature in individuals affected with MTR-related conditions. ClinVar contains an entry for this variant (Variation ID: 631597). Algorithms developed to predict the effect of sequence changes on RNA splicing suggest that this variant may disrupt the consensus splice site. In summary, the currently available evidence indicates that the variant is pathogenic, but additional data are needed to prove that conclusively. Therefore, this variant has been classified as Likely Pathogenic.

Blueprint Genetics
Classification: Uncertain significance. Last evaluated: 2022-10-10. Review status: criteria provided, single submitter. Criteria: ACMG Guidelines, 2015. Collection method: clinical testing. Allele origin: germline.

Literature cited by the submitters: PubMed 16199547 (cited by Labcorp Genetics (formerly Invitae), Labcorp); PubMed 9683607 (cited by Labcorp Genetics (formerly Invitae), Labcorp); PubMed 12068375 (cited by Labcorp Genetics (formerly Invitae), Labcorp).